The following is an entry in ClinVar:

ClinVar aggregate classification (germline): Uncertain significance. Review status: criteria provided, multiple submitters, no conflicts (2 of 4 stars). 2 submissions from 2 submitters: Uncertain significance (2). Last evaluated 2023-09-27.

Conditions:
Familial cancer of breast. Also called: Hereditary breast cancer; hereditary breast carcinoma; BREAST CANCER, FAMILIAL. Identifiers: Orphanet 227535, MedGen C0346153, MONDO:0016419, OMIM 114480. Disease mechanism: loss of function.
Hereditary cancer-predisposing syndrome. Also called: Neoplastic Syndromes, Hereditary; Hereditary Cancer Syndrome; Hereditary neoplastic syndrome; Tumor predisposition. Identifiers: Orphanet 140162, MedGen C0027672, MeSH D009386, MONDO:0015356.

Submissions (2):

Labcorp Genetics (formerly Invitae), Labcorp
Classification: Uncertain significance for Familial cancer of breast. Last evaluated: 2023-09-27. Review status: criteria provided, single submitter. Criteria: Invitae Variant Classification Sherloc (09022015). Collection method: clinical testing. Allele origin: germline.
Comment: This variant has not been reported in the literature in individuals affected with CHEK2-related conditions. In summary, the available evidence is currently insufficient to determine the role of this variant in disease. Therefore, it has been classified as a Variant of Uncertain Significance. An algorithm developed to predict the effect of missense changes on protein structure and function (PolyPhen-2) suggests that this variant is likely to be disruptive. ClinVar contains an entry for this variant (Variation ID: 2566537). This variant is not present in population databases (gnomAD no frequency). This sequence change replaces aspartic acid, which is acidic and polar, with histidine, which is basic and polar, at codon 126 of the CHEK2 protein (p.Asp126His).

Ambry Genetics
Classification: Uncertain significance for Hereditary cancer-predisposing syndrome. Last evaluated: 2023-04-26. Review status: criteria provided, single submitter. Criteria: Ambry Variant Classification Scheme 2023. Collection method: clinical testing. Allele origin: germline.
Comment: The p.D126H variant (also known as c.376G>C), located in coding exon 2 of the CHEK2 gene, results from a G to C substitution at nucleotide position 376. The aspartic acid at codon 126 is replaced by histidine, an amino acid with similar properties. This variant was observed in an individual with early onset-breast cancer amongst a cohort of 1781 non-Ashkenazi Jewish individuals undergoing BRCA1/2 gene testing based on a personal history of breast cancer (Tung N et al. Cancer, 2015 Jan;121:25-33). This amino acid position is well conserved in available vertebrate species. In addition, the in silico prediction for this alteration is inconclusive. Since supporting evidence is limited at this time, the clinical significance of this alteration remains unclear.

Literature cited by the submitters: PubMed 25186627 (cited by Ambry Genetics).

NM_007194.4(CHEK2):c.376G>C (p.Asp126His)

Gene: CHEK2 (checkpoint kinase 2; minus strand). Cytogenetic location: 22q12.1.
Variant type: single nucleotide variant.
Coding change: c.376G>C on transcript NM_007194.4 (MANE Select); coding-DNA position 376, G replaced by C.
Protein change: p.Asp126His; replaces aspartic acid 126 with histidine.
Molecular consequence: missense variant.
Genome position (GRCh38, 1-based): chr22:28,725,311, C>G on the plus strand (G>C on the coding strand, the complement: CHEK2 is on the minus strand). VCF-style: chr22-28725311-C-G. GRCh37 (hg19) VCF-style: chr22-29121299-C-G.
Other names: c.505G>C, p.Asp169His (NM_001005735.3); c.-402G>C (NM_001257387.3); c.376G>C, p.Asp126His (NM_001349956.3, NM_145862.3); short protein forms D126H, D169H.
Identifiers: ClinVar variation 2566537 (VCV002566537.5), dbSNP rs1192210146, ClinGen allele CA411108097.